The following is an entry in ClinVar:

NM_001080517.3(SETD5):c.3632-138C>T

Gene: SETD5 (SET domain containing 5; plus strand). Cytogenetic location: 3p25.3.
Variant type: single nucleotide variant.
Coding change: c.3632-138C>T on transcript NM_001080517.3 (MANE Select); 138 bases into the intron before coding-DNA position 3632, C replaced by T.
Molecular consequence: intron variant.
Genome position (GRCh38, 1-based): chr3:9,474,930, C>T. VCF-style: chr3-9474930-C-T. GRCh37 (hg19) VCF-style: chr3-9516614-C-T.
Other names: c.3689-138C>T (NM_001437643.1); c.3338-138C>T (NM_001349451.2, NM_001292043.2); c.3728-138C>T (NM_001437633.1); c.3746-138C>T (NM_001437635.1); c.3671-138C>T (NM_001437701.1).
Identifiers: ClinVar variation 4855915 (VCV004855915.1).

ClinVar aggregate classification (germline): Uncertain significance (1 of 4 stars; one submission).

Conditions:
Intellectual disability-facial dysmorphism syndrome due to SETD5 haploinsufficiency (MRD23). Also called: Intellectual developmental disorder, autosomal dominant 23. Identifiers: Orphanet 404440, MedGen C3810406, MONDO:0014336, OMIM 615761.

Submission:

3billion
Classification: Uncertain significance for Intellectual disability-facial dysmorphism syndrome due to SETD5 haploinsufficiency. Last evaluated: 2025-07-03. Review status: criteria provided, single submitter. Criteria: ACMG Guidelines, 2015. Collection method: clinical testing. Allele origin: germline. Affected: yes.
Comment: The variant is not observed in the gnomAD v4.1.0 dataset. Predicted Consequence/Location: Intron variant In silico tools predict the variant to alter splicing and produce an abnormal transcript [SpliceAI: 0.30 (>=0.2, moderate evidence for spliceogenicity)]. Therefore, this variant is classified as VUS according to the recommendation of ACMG/AMP guideline.